The following is an entry in ClinVar:

NM_001103.4(ACTN2):c.1390A>G (p.Ile464Val)

Gene: ACTN2 (actinin alpha 2; plus strand). Cytogenetic location: 1q43.
Variant type: single nucleotide variant.
Coding change: c.1390A>G on transcript NM_001103.4 (MANE Select); coding-DNA position 1390, A replaced by G.
Protein change: p.Ile464Val; replaces isoleucine 464 with valine.
Molecular consequence: missense variant.
Genome position (GRCh38, 1-based): chr1:236,744,760, A>G. VCF-style: chr1-236744760-A-G. GRCh37 (hg19) VCF-style: chr1-236908060-A-G.
Other names: c.766A>G, p.Ile256Val (NM_001278344.2); c.1390A>G, p.Ile464Val (NM_001278343.2); c.1390A>G (NM_001103.3); short protein forms I256V, I464V.
Identifiers: ClinVar variation 999703 (VCV000999703.11), dbSNP rs760714286, ClinGen allele CA1473136.

ClinVar aggregate classification (germline): Conflicting classifications of pathogenicity. Review status: criteria provided, conflicting classifications (1 of 4 stars). 3 submissions from 3 submitters: Uncertain significance (2); Benign (1). Last evaluated 2026-04-27.

Conditions:
ACTN2-related disorder. Also called: ACTN2-related disorders; ACTN2 related condition.
Primary familial hypertrophic cardiomyopathy (HCM). Identifiers: Orphanet 99739, MedGen C0949658, MeSH D024741, MONDO:0024573. Inheritance: Various modes of inheritance.
Dilated cardiomyopathy 1AA (CMD1AA). Also called: CARDIOMYOPATHY, DILATED, 1AA, WITH OR WITHOUT LEFT VENTRICULAR NONCOMPACTION; CARDIOMYOPATHY, FAMILIAL HYPERTROPHIC, 23, WITH OR WITHOUT LEFT VENTRICULAR NONCOMPACTION; Cardiomyopathy, dilated, 1AA, with or without LVNC. Identifiers: Orphanet 154, MedGen C2677338, MONDO:0012808, OMIM 612158.

Allele frequency attached by ClinVar (database versions not stated): gnomAD exomes below 0.00001 and 0.00001; ExAC 0.00001; TOPMed 0.00001.
gnomAD v4.1: 17 of 1,614,114 alleles (0.0011%); highest among the groups gnomAD compares: Non-Finnish European, 0.0014%; no homozygotes.

Submissions (3):

PreventionGenetics, part of Exact Sciences
Classification: Uncertain significance for ACTN2-related condition. Last evaluated: 2026-04-27. Review status: criteria provided, single submitter. Criteria: ACMG Guidelines, 2015. Collection method: clinical testing. Allele origin: germline.
Comment: The ACTN2 c.1390A>G variant is predicted to result in the amino acid substitution p.Ile464Val. To our knowledge, this variant has not been reported in the literature. This variant is reported in 0.0062% of alleles in individuals of African descent in gnomAD. At this time, the clinical significance of this variant is uncertain due to the absence of conclusive functional and genetic evidence.

ARUP Laboratories, Molecular Genetics and Genomics, ARUP Laboratories
Classification: Uncertain significance. Last evaluated: 2025-03-05. Review status: criteria provided, single submitter. Criteria: ARUP Molecular Germline Variant Investigation Process 2024. Collection method: clinical testing. Allele origin: germline.
Comment: The ACTN2 c.1390A>G; p.Ile464Val variant (rs760714286), to our knowledge, is not reported in the medical literature but is reported in ClinVar (Variation ID: 999703). This variant is only observed on one allele in the Genome Aggregation Database (v2.1.1), indicating it is not a common polymorphism. Computational analyses are uncertain whether this variant is neutral or deleterious (REVEL: 0.3). Due to limited information, the clinical significance of this variant is uncertain at this time.

Labcorp Genetics (formerly Invitae), Labcorp
Classification: Benign for Primary familial hypertrophic cardiomyopathy; Dilated cardiomyopathy 1AA. Last evaluated: 2022-08-31. Review status: criteria provided, single submitter. Criteria: Invitae Variant Classification Sherloc (09022015). Collection method: clinical testing. Allele origin: germline.